The following is an entry in ClinVar:

ClinVar aggregate classification (germline): Uncertain significance. Review status: criteria provided, multiple submitters, no conflicts (2 of 4 stars). 2 submissions from 2 submitters: Uncertain significance (2). Last evaluated 2025-03-18.

Conditions:
Familial thoracic aortic aneurysm and aortic dissection (TAAD). Also called: Thoracic aortic aneurysms and dissections. Identifiers: Orphanet 91387, MedGen C4707243, MONDO:0019625.

Allele frequency attached by ClinVar (database versions not stated): gnomAD exomes below 0.00001; gnomAD 0.00001.
gnomAD v4.1: 4 of 1,614,080 alleles (0.00025%); highest among the groups gnomAD compares: East Asian, 0.0045%; no homozygotes.

Submissions (2):

Ambry Genetics
Classification: Uncertain significance for Familial thoracic aortic aneurysm and aortic dissection. Last evaluated: 2025-03-18. Review status: criteria provided, single submitter. Criteria: Ambry Variant Classification Scheme 2023. Collection method: clinical testing. Allele origin: germline.
Comment: The p.R651H variant (also known as c.1952G>A), located in coding exon 15 of the MYH11 gene, results from a G to A substitution at nucleotide position 1952. The arginine at codon 651 is replaced by histidine, an amino acid with highly similar properties. This amino acid position is conserved. In addition, this alteration is predicted to be deleterious by in silico analysis. Based on the available evidence, the clinical significance of this variant remains unclear.

Color Diagnostics, LLC DBA Color Health
Classification: Uncertain significance for Familial thoracic aortic aneurysm and aortic dissection. Last evaluated: 2024-03-06. Review status: criteria provided, single submitter. Criteria: ACMG Guidelines, 2015. Collection method: clinical testing. Allele origin: germline.
Comment: This missense variant replaces arginine with histidine at codon 658 of the MYH11 protein. Computational prediction suggests that this variant may have deleterious impact on protein structure and function (internally defined REVEL score threshold >= 0.7, PMID: 27666373). To our knowledge, functional studies have not been reported for this variant. This variant has not been reported in individuals affected with cardiovascular disorders in the literature. This variant has been identified in 1/31382 chromosomes in the general population by the Genome Aggregation Database (gnomAD). The available evidence is insufficient to determine the role of this variant in disease conclusively. Therefore, this variant is classified as a Variant of Uncertain Significance.

NM_002474.3(MYH11):c.1952G>A (p.Arg651His)

Gene: MYH11 (myosin heavy chain 11; minus strand). Cytogenetic location: 16p13.11.
Variant type: single nucleotide variant.
Coding change: c.1952G>A on transcript NM_002474.3 (MANE Select); coding-DNA position 1952, G replaced by A.
Protein change: p.Arg651His; replaces arginine 651 with histidine.
Molecular consequence: missense variant.
Genome position (GRCh38, 1-based): chr16:15,750,244, C>T on the plus strand (G>A on the coding strand, the complement: MYH11 is on the minus strand). VCF-style: chr16-15750244-C-T. GRCh37 (hg19) VCF-style: chr16-15844101-C-T.
Other names: c.1973G>A, p.Arg658His (NM_001040113.2, NM_001040114.2); c.1952G>A, p.Arg651His (NM_022844.3); c.1952G>A (NM_002474.2); short protein forms R651H, R658H.
Identifiers: ClinVar variation 2773852 (VCV002773852.3), dbSNP rs1466960409, ClinGen allele CA394869047.
Genomic context (GRCh38, chr16:15,750,244, plus strand): 5'-GTGTTGCGTAGCGTGGTCATCAGCTTGCCCAGCTGCTCCTTGTACAGCTGCCCCACTGTG[C>T]GGAACATGCCCTTCTTGGTCTTGGAGGCGCTGGGCAGCGAGCTCTCCGTCATCTTGGCCA-3'
Protein context (NP_002465.1, residues 641-661): SASKTKKGMF[Arg651His]TVGQLYKEQL